The following is an entry in ClinVar:

ClinVar aggregate classification (germline): Uncertain significance (1 of 4 stars; one submission).

Conditions:
Familial temporal lobe epilepsy 7. Identifiers: Orphanet 101046, MedGen C4225327, MONDO:0014639, OMIM 616436.
Norman-Roberts syndrome (LIS2). Also called: Lissencephaly 2 (Norman-Roberts type). Identifiers: Orphanet 89844, MedGen C0796089, MONDO:0009760, OMIM 257320.

Submission:

Labcorp Genetics (formerly Invitae), Labcorp
Classification: Uncertain significance for Familial temporal lobe epilepsy 7; Norman-Roberts syndrome. Last evaluated: 2022-08-16. Review status: criteria provided, single submitter. Criteria: Invitae Variant Classification Sherloc (09022015). Collection method: clinical testing. Allele origin: germline.
Comment: In summary, the available evidence is currently insufficient to determine the role of this variant in disease. Therefore, it has been classified as a Variant of Uncertain Significance. Algorithms developed to predict the effect of missense changes on protein structure and function are either unavailable or do not agree on the potential impact of this missense change (SIFT: "Deleterious"; PolyPhen-2: "Possibly Damaging"; Align-GVGD: "Class C0"). This sequence change replaces arginine, which is basic and polar, with serine, which is neutral and polar, at codon 775 of the RELN protein (p.Arg775Ser). This variant is not present in population databases (gnomAD no frequency). This variant has not been reported in the literature in individuals affected with RELN-related conditions. ClinVar contains an entry for this variant (Variation ID: 1058587).

NM_005045.4(RELN):c.2325A>C (p.Arg775Ser)

Gene: RELN (reelin; minus strand). Cytogenetic location: 7q22.1.
Variant type: single nucleotide variant.
Coding change: c.2325A>C on transcript NM_005045.4 (MANE Select); coding-DNA position 2325, A replaced by C.
Protein change: p.Arg775Ser; replaces arginine 775 with serine.
Molecular consequence: missense variant.
Genome position (GRCh38, 1-based): chr7:103,635,565, T>G on the plus strand (A>C on the coding strand, the complement: RELN is on the minus strand). VCF-style: chr7-103635565-T-G. GRCh37 (hg19) VCF-style: chr7-103276012-T-G.
Other names: c.2325A>C, p.Arg775Ser (NM_173054.3); short protein forms R775S.
Identifiers: ClinVar variation 1058587 (VCV001058587.9), dbSNP rs2117349022, ClinGen allele CA368760365.